The following is an entry in ClinVar:

NM_000152.5(GAA):c.2092G>A (p.Ala698Thr)

Gene: GAA (alpha glucosidase; plus strand). Cytogenetic location: 17q25.3.
Variant type: single nucleotide variant.
Coding change: c.2092G>A on transcript NM_000152.5 (MANE Select); coding-DNA position 2092, G replaced by A.
Protein change: p.Ala698Thr; replaces alanine 698 with threonine.
Molecular consequence: missense variant.
Genome position (GRCh38, 1-based): chr17:80,113,269, G>A. VCF-style: chr17-80113269-G-A. GRCh37 (hg19) VCF-style: chr17-78087068-G-A.
Other names: c.2092G>A, p.Ala698Thr (NM_001079803.3, NM_001079804.3); short protein forms A698T.
Identifiers: ClinVar variation 188483 (VCV000188483.20), dbSNP rs367632754, ClinGen allele CA198794.

ClinVar aggregate classification (germline): Uncertain significance. Review status: criteria provided, multiple submitters, no conflicts (2 of 4 stars). 13 submissions from 13 submitters: Uncertain significance (12). 1 of the submissions does not count toward it. Last evaluated 2026-08-06.

Conditions:
Glycogen storage disease, type II (IOPD). Also called: Glucosidase acid-1,4-alpha deficiency; Pompe Disease; Glycogen storage disease type 2; Acid maltase deficiency disease; Aglucosidase alfa; Deficiency of alpha-glucosidase. Identifiers: Orphanet 365, MedGen C0017921, MONDO:0009290, OMIM 232300.

Allele frequency attached by ClinVar (database versions not stated): TOPMed 0.00003; gnomAD exomes 0.00005; ESP Exome Variant Server 0.00008; ExAC 0.00010; gnomAD 0.00005.
gnomAD v4.1: 60 of 1,602,036 alleles (0.0037%); highest among the groups gnomAD compares: Middle Eastern, 0.16%; no homozygotes.

Submissions (13):

OLLIN Analises Genomicas, OLLIN
Classification: Uncertain significance for Glycogen storage disease, type II. Last evaluated: 2026-08-06. Review status: criteria provided, single submitter. Criteria: ACMG Guidelines 2015 PMID 25741868. Collection method: clinical testing. Allele origin: germline. Inheritance: Autosomal recessive inheritance.
Comment: This missense variant, located in exon 15 (of 20), has been reported in ClinVar (accession VCV000188483.18) and in gnomAD with an allele frequency of 0.0037%. However, to our knowledge, it has not been reported in the scientific literature. In silico analysis predicts that this variant has a deleterious effect. According to the currently available evidence, this variant has been classified as uncertain significance (PP3).

Genomenon, Inc
Classification: Uncertain significance for Glycogen storage disease, type II. Last evaluated: 2026-07-01. Review status: criteria provided, single submitter. Criteria: Genomenon Sequence Variant Interpretation Standards - Updated. Collection method: curation. Allele origin: germline. Affected: no.
Comment: GAA p.Ala698Thr (c.2092G>A) is a missense variant that changes the amino acid at codon 698 from Alanine to Threonine. This variant has been reported in the published literature (PMID:30281819). It is absent or not present at a significant frequency in gnomAD. In silico models predict that this variant is possibly or probably damaging. In conclusion, we classify GAA p.Ala698Thr (c.2092G>A) as a variant of uncertain significance.

3billion
Classification: Uncertain significance for Glycogen storage disease, type II. Last evaluated: 2025-11-18. Review status: criteria provided, single submitter. Criteria: ACMG Guidelines, 2015. Collection method: clinical testing. Allele origin: germline. Affected: yes.
Comment: The variant is observed at an extremely low frequency in the gnomAD v4.1.0 dataset (total allele frequency: 0.004%). Predicted Consequence/Location: Missense variant In silico tool predictions suggest damaging effect of the variant on gene or gene product [REVEL: 0.76 (>=0.6, sensitivity 0.68 and specificity 0.92); 3Cnet: 0.96 (> 0.75, sensitivity 0.96 and precision 0.92)]. The variant has been reported as of uncertain significance (ClinVar ID: VCV000188483). Different missense changes at the same codon have been reported as of uncertain significance (ClinVar ID: VCV001379610, VCV002431966). Therefore, this variant is classified as VUS according to the recommendation of ACMG/AMP guideline.

Women's Health and Genetics/Laboratory Corporation of America, LabCorp
Classification: Uncertain significance. Last evaluated: 2025-06-13. Review status: criteria provided, single submitter. Criteria: LabCorp Variant Classification Summary - May 2015. Collection method: clinical testing. Allele origin: germline.
Comment: Variant summary: GAA c.2092G>A (p.Ala698Thr) results in a non-conservative amino acid change in the encoded protein sequence. Algorithms developed to predict the effect of missense changes on protein structure and function all suggest that this variant is likely to be disruptive. The variant allele was found at a frequency of 4.9e-05 in 225392 control chromosomes. This frequency is not significantly higher than estimated for a pathogenic variant in GAA causing Glycogen storage disease, type II, allowing no conclusion about variant significance. c.2092G>A has been observed in at least one individual affected with cramps, myalgia, and hyperCKemia (e.g., Gemelli_2021). This report does not provide unequivocal conclusions about association of the variant with Glycogen storage disease, type II. To our knowledge, no experimental evidence demonstrating an impact on protein function has been reported. The following publication has been ascertained in the context of this evaluation (PMID: 34687219). ClinVar contains an entry for this variant (Variation ID: 188483). Based on the evidence outlined above, the variant was classified as uncertain significance.

Revvity Omics, Revvity
Classification: Uncertain significance. Last evaluated: 2025-04-02. Review status: criteria provided, single submitter. Criteria: ACMG Guidelines, 2015. Collection method: clinical testing. Allele origin: germline.

Blueprint Genetics
Classification: Uncertain significance. Last evaluated: 2024-11-21. Review status: criteria provided, single submitter. Criteria: ACMG Guidelines, 2015. Collection method: clinical testing. Allele origin: germline.

Labcorp Genetics (formerly Invitae), Labcorp
Classification: Uncertain significance for Glycogen storage disease, type II. Last evaluated: 2022-09-06. Review status: criteria provided, single submitter. Criteria: Invitae Variant Classification Sherloc (09022015). Collection method: clinical testing. Allele origin: germline.
Comment: This sequence change replaces alanine, which is neutral and non-polar, with threonine, which is neutral and polar, at codon 698 of the GAA protein (p.Ala698Thr). This variant is present in population databases (rs367632754, gnomAD 0.008%). This variant has not been reported in the literature in individuals affected with GAA-related conditions. ClinVar contains an entry for this variant (Variation ID: 188483). Advanced modeling of protein sequence and biophysical properties (such as structural, functional, and spatial information, amino acid conservation, physicochemical variation, residue mobility, and thermodynamic stability) performed at Invitae indicates that this missense variant is expected to disrupt GAA protein function. In summary, the available evidence is currently insufficient to determine the role of this variant in disease. Therefore, it has been classified as a Variant of Uncertain Significance.

Department of Pathology and Laboratory Medicine, Sinai Health System
Classification: Uncertain significance for Glycogen storage disease, type II. Last evaluated: 2021-09-24. Review status: criteria provided, single submitter. Criteria: ACMG Guidelines, 2015. Collection method: research. Allele origin: germline.

Genome-Nilou Lab
Classification: Uncertain significance for Glycogen storage disease, type II. Last evaluated: 2021-09-05. Review status: criteria provided, single submitter. Criteria: ACMG Guidelines, 2015. Collection method: clinical testing. Allele origin: germline. Affected: no.

Pars Genome Lab
Classification: Uncertain significance for Glycogen storage disease, type II. Last evaluated: 2021-05-18. Review status: criteria provided, single submitter. Criteria: ACMG Guidelines, 2015. Collection method: clinical testing. Allele origin: germline. Affected: no.

Eurofins Ntd Llc (ga)
Classification: Uncertain significance. Last evaluated: 2017-11-16. Review status: criteria provided, single submitter. Criteria: EGL Classification Definitions 2015. Collection method: clinical testing. Allele origin: germline. Observed: 2 variant alleles, 2 heterozygotes.

Breakthrough Genomics
Classification: Uncertain significance. Review status: criteria provided, single submitter. Criteria: ACMG Guidelines, 2015. Collection method: not provided. Allele origin: germline. Inheritance: Autosomal recessive inheritance. Affected: yes.

Natera, Inc.
Classification: Uncertain significance for Glycogen storage disease type II. Last evaluated: 2020-09-16. Review status: no assertion criteria provided. Collection method: clinical testing. Allele origin: germline. Not counted in ClinVar's aggregate classification.

Literature cited by the submitters: PubMed 30281819 (cited by Genomenon, Inc); PubMed 34687219 (cited by Women's Health and Genetics/Laboratory Corporation of America, LabCorp).